The following is an entry in ClinVar:

NM_005445.4(SMC3):c.3158C>G (p.Ala1053Gly)

Gene: SMC3 (structural maintenance of chromosomes 3; plus strand). Cytogenetic location: 10q25.2.
Variant type: single nucleotide variant.
Coding change: c.3158C>G on transcript NM_005445.4 (MANE Select); coding-DNA position 3158, C replaced by G.
Protein change: p.Ala1053Gly; replaces alanine 1053 with glycine.
Molecular consequence: missense variant.
Genome position (GRCh38, 1-based): chr10:110,602,526, C>G. VCF-style: chr10-110602526-C-G. GRCh37 (hg19) VCF-style: chr10-112362284-C-G.
Other names: short protein forms A1053G.
Identifiers: ClinVar variation 2503193 (VCV002503193.2), dbSNP rs2493149332, ClinGen allele CA378394607.

ClinVar aggregate classification (germline): Uncertain significance (1 of 4 stars; one submission).

Allele frequency attached by ClinVar (database versions not stated): gnomAD exomes below 0.00001.
gnomAD v4.1: 1 of 1,613,502 alleles (0.000062%); highest among the groups gnomAD compares: Non-Finnish European, 0.000085%; no homozygotes.

Submission:

GeneDx
Classification: Uncertain significance. Last evaluated: 2026-02-05. Review status: criteria provided, single submitter. Criteria: GeneDx Variant Classification Process June 2021. Collection method: clinical testing. Allele origin: germline.
Comment: Not observed at significant frequency in large population cohorts (gnomAD); In silico analysis supports a deleterious effect on splicing; In silico analysis supports that this missense variant does not alter protein structure/function; Has not been previously published as pathogenic or benign to our knowledge